The following is an entry in ClinVar:

NM_201384.3(PLEC):c.10354C>T (p.Gln3452Ter)

Gene: PLEC (plectin; minus strand). Cytogenetic location: 8q24.3.
Variant type: single nucleotide variant.
Coding change: c.10354C>T on transcript NM_201384.3 (MANE Select); coding-DNA position 10354, C replaced by T.
Protein change: p.Gln3452Ter; replaces glutamine 3452 with a stop codon.
Molecular consequence: nonsense.
Genome position (GRCh38, 1-based): chr8:143,919,467, G>A on the plus strand (C>T on the coding strand, the complement: PLEC is on the minus strand). VCF-style: chr8-143919467-G-A. GRCh37 (hg19) VCF-style: chr8-144993635-G-A.
Other names: c.10312C>T, p.Gln3438Ter (NM_201378.4); c.10288C>T, p.Gln3430Ter (NM_201379.3); c.10765C>T, p.Gln3589Ter (NM_201380.4); c.10258C>T, p.Gln3420Ter (NM_201381.3); c.10354C>T, p.Gln3452Ter (NM_201382.4); c.10366C>T, p.Gln3456Ter (NM_201383.3); c.10435C>T, p.Gln3479Ter (NM_000445.5); c.7054C>T, p.Gln2352Ter (NM_001410941.1); short protein forms Q2352*, Q3420*, Q3430*, Q3438*, Q3452*, Q3456*, Q3479*, Q3589*.
Identifiers: ClinVar variation 3748806 (VCV003748806.2).

ClinVar aggregate classification (germline): Pathogenic (1 of 4 stars; one submission).

Conditions:
Epidermolysis bullosa simplex with nail dystrophy (EBS5D). Identifiers: MedGen C4225309, MONDO:0014661, OMIM 616487.
Autosomal recessive limb-girdle muscular dystrophy type 2Q (LGMDR17). Also called: MUSCULAR DYSTROPHY, LIMB-GIRDLE, AUTOSOMAL RECESSIVE 17. Identifiers: Orphanet 254361, MedGen C3150989, MONDO:0013390, OMIM 613723.
Epidermolysis bullosa simplex 5B, with muscular dystrophy (EBS5B). Also called: Epidermolysis bullosa simplex with muscular dystrophy; EPIDERMOLYSIS BULLOSA SIMPLEX AND LIMB-GIRDLE MUSCULAR DYSTROPHY. Identifiers: Orphanet 257, MedGen C2931072, MONDO:0009181, OMIM 226670.
Epidermolysis bullosa simplex 5C, with pyloric atresia (EBS5C). Also called: PLEC-Related Epidermolysis Bullosa with Pyloric Atresia; Epidermolysis bullosa simplex with pyloric atresia; PLEC1-Related Epidermolysis Bullosa with Pyloric Atresia. Identifiers: Orphanet 158684, MedGen C2677349, MONDO:0012807, OMIM 612138.
Epidermolysis bullosa simplex, Ogna type (EBS5A). Also called: Pidermolysis bullosa simplex 5A, Ogna type; EPIDERMOLYSIS BULLOSA SIMPLEX 5A, OGNA TYPE. Identifiers: Orphanet 79401, MedGen C0432317, MONDO:0007555, OMIM 131950.

Submission:

Labcorp Genetics (formerly Invitae), Labcorp
Classification: Pathogenic for Autosomal recessive limb-girdle muscular dystrophy type 2Q; Epidermolysis bullosa simplex, Ogna type; Epidermolysis bullosa simplex with nail dystrophy; Epidermolysis bullosa simplex 5C, with pyloric atresia; Epidermolysis bullosa simplex 5B, with muscular dystrophy. Last evaluated: 2024-08-07. Review status: criteria provided, single submitter. Criteria: Invitae Variant Classification Sherloc (09022015). Collection method: clinical testing. Allele origin: germline.
Comment: This sequence change creates a premature translational stop signal (p.Gln3479*) in the PLEC gene. While this is not anticipated to result in nonsense mediated decay, it is expected to disrupt the last 1096 amino acid(s) of the PLEC protein. This variant is not present in population databases (gnomAD no frequency). This variant has not been reported in the literature in individuals affected with PLEC-related conditions. This variant disrupts a region of the PLEC protein in which other variant(s) (p.Lys4460*) have been determined to be pathogenic (PMID: 10652002). This suggests that this is a clinically significant region of the protein, and that variants that disrupt it are likely to be disease-causing. For these reasons, this variant has been classified as Pathogenic.

Literature cited by the submitters: PubMed 10652002.